The following is an entry in ClinVar:

NM_000203.5(IDUA):c.1856G>A (p.Arg619Gln)

Gene: IDUA (alpha-L-iduronidase; plus strand). Cytogenetic location: 4p16.3.
Variant type: single nucleotide variant.
Coding change: c.1856G>A on transcript NM_000203.5 (MANE Select); coding-DNA position 1856, G replaced by A.
Protein change: p.Arg619Gln; replaces arginine 619 with glutamine.
Molecular consequence: missense variant. On other transcripts: non-coding transcript variant (1).
Genome position (GRCh38, 1-based): chr4:1,004,287, G>A. VCF-style: chr4-1004287-G-A. GRCh37 (hg19) VCF-style: chr4-998075-G-A.
Other names: NM_000203.5(IDUA):c.1856G>A; p.Arg619Gln; c.1856G>A (NM_000203.3); c.1460G>A, p.Arg487Gln (NM_001363576.1); short protein forms R619Q, R487Q.
Identifiers: ClinVar variation 558900 (VCV000558900.21), dbSNP rs372137794, ClinGen allele CA2802457.

ClinVar aggregate classification (germline): Likely benign. Review status: reviewed by expert panel (3 of 4 stars). 7 submissions from 7 submitters: Likely benign (1). 6 of the submissions do not count toward it. Last evaluated 2024-12-06.

Conditions:
Mucopolysaccharidosis type 1. Also called: IDUA deficiency; MPS I; Mucopolysaccharidosis Type I. Identifiers: Orphanet 579, MedGen C0023786, MONDO:0001586.
IDUA-related disorder. Also called: IDUA-related condition.
Inborn genetic diseases. Identifiers: MedGen C0950123, MeSH D030342.

Allele frequency attached by ClinVar (database versions not stated): gnomAD below 0.00001 and 0.00009; TOPMed 0.00005; ESP Exome Variant Server 0.00008; 1000 Genomes Project 30x 0.00047; ExAC 0.00059; gnomAD exomes 0.00059; 1000 Genomes Project 0.00060.
gnomAD v4.1: 424 of 1,610,692 alleles (0.026%); highest among the groups gnomAD compares: South Asian, 0.42%; 2 homozygotes.

Submissions (7):

ClinGen Lysosomal Storage Disorder Variant Curation Expert Panel
Classification: Likely benign for Mucopolysaccharidosis type 1. Last evaluated: 2024-12-06. Review status: reviewed by expert panel. Criteria: ClinGen LSD ACMG Specifications IDUA V1.0.0. Collection method: curation. Allele origin: germline. Inheritance: Autosomal recessive inheritance.
Comment: The NM_000203.5:c.1856G>A variant in IDUA is predicted to result in the missense substitution of arginine by glutamine at amino acid 619 (p.Arg619Gln). The highest population minor allele frequency in gnomAD v4.1.0 is 0.004206 (383/91066 alleles; 2 homozygotes; GrpMax Filtering Allele Frequency (95% confidence) = 0.003859) in the South Asian population, which is higher than the ClinGen Lysosomal Diseases VCEP’s threshold for BS1 (>0.0025), and therefore meets this criterion (BS1). The computational predictor REVEL gives a score of 0.641 which is neither above nor below the thresholds predicting a damaging (>0.644) or benign (<0.29) impact on IDUA function. The computational predictor SpliceAI indicates that the variant has no impact on splicing. To our knowledge, this variant has not been reported in the literature. There is a ClinVar entry for this variant (Variation ID: 558900). In summary, this variant meets the criteria to be classified as likely benign for mucopolysaccharidosis type 1 based on assessment by the ClinGen LD VCEP. IDUA-specific ACMG/AMP criteria met, as specified by the ClinGen Lysosomal Diseases Gene Curation Expert Panel (Specifications Version 1.0.0): BS1. (Classification approved by the ClinGen Lysosomal Diseases Variant Curation Expert Panel on December 6, 2024)

Labcorp Genetics (formerly Invitae), Labcorp
Classification: Likely benign for Mucopolysaccharidosis type 1. Last evaluated: 2026-01-26. Review status: criteria provided, single submitter. Criteria: Invitae Variant Classification Sherloc (09022015). Collection method: clinical testing. Allele origin: germline. Not counted in ClinVar's aggregate classification.

PreventionGenetics, part of Exact Sciences
Classification: Likely benign for IDUA-related condition. Last evaluated: 2025-06-16. Review status: criteria provided, single submitter. Criteria: ACMG Guidelines, 2015. Collection method: clinical testing. Allele origin: germline. Not counted in ClinVar's aggregate classification.
Comment: This variant is classified as likely benign based on ACMG/AMP sequence variant interpretation guidelines (Richards et al. 2015 PMID: 25741868, with internal and published modifications).

Blueprint Genetics
Classification: Likely benign. Last evaluated: 2024-02-09. Review status: criteria provided, single submitter. Criteria: ACMG Guidelines, 2015. Collection method: clinical testing. Allele origin: germline. Not counted in ClinVar's aggregate classification.

Ambry Genetics
Classification: Likely benign for Inborn genetic diseases. Last evaluated: 2021-11-02. Review status: criteria provided, single submitter. Criteria: Ambry Variant Classification Scheme 2023. Collection method: clinical testing. Allele origin: germline. Not counted in ClinVar's aggregate classification.

Natera, Inc.
Classification: Likely benign for Mucopolysaccharidosis type I. Last evaluated: 2020-09-16. Review status: no assertion criteria provided. Collection method: clinical testing. Allele origin: germline. Not counted in ClinVar's aggregate classification.

Mayo Clinic Laboratories, Mayo Clinic
Classification: Uncertain significance. Last evaluated: 2017-04-12. Review status: no assertion criteria provided. Collection method: clinical testing. Allele origin: unknown. Not counted in ClinVar's aggregate classification.